The following is an entry in ClinVar:

ClinVar aggregate classification (germline): Uncertain significance (1 of 4 stars; one submission).

Submission:

GeneDx
Classification: Uncertain significance. Last evaluated: 2024-10-28. Review status: criteria provided, single submitter. Criteria: GeneDx Variant Classification Process June 2021. Collection method: clinical testing. Allele origin: germline. Affected: yes.
Comment: Not observed at significant frequency in large population cohorts (gnomAD); In silico analysis indicates that this missense variant does not alter protein structure/function; Has not been previously published as pathogenic or benign to our knowledge

NM_001079843.3(CASZ1):c.4769C>T (p.Ser1590Leu)

Gene: CASZ1 (castor zinc finger 1; minus strand). Cytogenetic location: 1p36.22.
Variant type: single nucleotide variant.
Coding change: c.4769C>T on transcript NM_001079843.3 (MANE Select); coding-DNA position 4769, C replaced by T.
Protein change: p.Ser1590Leu; replaces serine 1590 with leucine.
Molecular consequence: missense variant.
Genome position (GRCh38, 1-based): chr1:10,639,453, G>A on the plus strand (C>T on the coding strand, the complement: CASZ1 is on the minus strand). VCF-style: chr1-10639453-G-A. GRCh37 (hg19) VCF-style: chr1-10699510-G-A.
Other names: short protein forms S1590L.
Identifiers: ClinVar variation 3893603 (VCV003893603.1).